The following is an entry in ClinVar:

NM_001182.5(ALDH7A1):c.1A>G (p.Met1Val)

Gene: ALDH7A1 (aldehyde dehydrogenase 7 family member A1; minus strand). Cytogenetic location: 5q23.2.
Variant type: single nucleotide variant.
Coding change: c.1A>G on transcript NM_001182.5 (MANE Select); coding-DNA position 1, A replaced by G.
Protein change: p.Met1Val; changes the start codon (methionine 1).
Molecular consequence: missense variant, initiator codon variant. On other transcripts: 5 prime UTR variant (1).
Genome position (GRCh38, 1-based): chr5:126,595,198, T>C on the plus strand (A>G on the coding strand, the complement: ALDH7A1 is on the minus strand). VCF-style: chr5-126595198-T-C. GRCh37 (hg19) VCF-style: chr5-125930890-T-C.
Other names: c.1A>G (NM_001182.4); c.-84A>G (NM_001201377.2); c.1A>G, p.Met1Val (NM_001202404.2); short protein forms M1V.
Identifiers: ClinVar variation 2152074 (VCV002152074.5), dbSNP rs1751708286, ClinGen allele CA360734045.
Genomic context (GRCh38, chr5:126,595,198, plus strand): 5'-GTCCAGAGAGCTTGCTGGTCTTTGCAGCGTGCACACACAGCGCGCGAGGAAGGCGCCACA[T>C]ACTGAGCCCGGGACTCGGGATGAGCCCAAGGCCCTGAGAGCTGCTGAAATAGAGCCCCGC-3'
Protein context (NP_001173.2, residues 1-11): [Met1Val]WRLPRALCVH

ClinVar aggregate classification (germline): Uncertain significance. Review status: criteria provided, multiple submitters, no conflicts (2 of 4 stars). 3 submissions from 3 submitters: Uncertain significance (3). Last evaluated 2023-04-11.

Conditions:
Pyridoxine-dependent epilepsy (EPEO4). Also called: Pyridoxine-Dependent Seizures; Pyridoxine-Dependent Epilepsy - ALDH7A1; PYRIDOXINE DEPENDENCY WITH SEIZURES; EPILEPSY, EARLY-ONSET, 4, VITAMIN B6-DEPENDENT. Identifiers: Orphanet 3006, MedGen C1849508, MONDO:0009945, OMIM 266100. Disease mechanism: loss of function.

Allele frequency attached by ClinVar (database versions not stated): gnomAD 0.00001; TOPMed 0.00001.

Submissions (3):

Genome-Nilou Lab
Classification: Uncertain significance for Pyridoxine-dependent epilepsy. Last evaluated: 2023-04-11. Review status: criteria provided, single submitter. Criteria: ACMG Guidelines, 2015. Collection method: clinical testing. Allele origin: germline. Affected: no.

Women's Health and Genetics/Laboratory Corporation of America, LabCorp
Classification: Uncertain significance. Last evaluated: 2023-04-05. Review status: criteria provided, single submitter. Criteria: LabCorp Variant Classification Summary - May 2015. Collection method: clinical testing. Allele origin: germline.
Comment: Variant summary: ALDH7A1 c.1A>G (p.Met1Val) alters the initiation codon and is predicted to result either in absence of the protein or truncation of the encoded protein due to translation initiation at a downstream codon. An alternative downstream in-frame start codon (Met29) is located in the encoded protein. An activation of potential downstream translation initiation at this site would result in a shortened protein missing the first 28 amino acids from the protein sequence. To our knowledge at least one other transcript (NM_001201377) uses this alternative start codon and no pathogenic variants have been reported in the region upstream of Met29. Two of three in-silico tools predict a benign effect of the variant on protein function. The variant was absent in 155310 control chromosomes (gnomAD). The available data on variant occurrences in the general population are insufficient to allow any conclusion about variant significance. To our knowledge, no occurrence of c.1A>G in individuals affected with Pyridoxine-Dependent Epilepsy and no experimental evidence demonstrating its impact on protein function have been reported. One clinical diagnostic laboratory has submitted a clinical-significance assessment for this variant to ClinVar after 2014 and classified the variant as uncertain significance. Based on the evidence outlined above, the variant was classified as uncertain significance.

Labcorp Genetics (formerly Invitae), Labcorp
Classification: Uncertain significance for Pyridoxine-dependent epilepsy. Last evaluated: 2022-08-13. Review status: criteria provided, single submitter. Criteria: Invitae Variant Classification Sherloc (09022015). Collection method: clinical testing. Allele origin: germline.
Comment: In summary, the available evidence is currently insufficient to determine the role of this variant in disease. Therefore, it has been classified as a Variant of Uncertain Significance. Experimental studies and prediction algorithms are not available or were not evaluated, and the functional significance of this variant is currently unknown. This variant has not been reported in the literature in individuals affected with ALDH7A1-related conditions. This variant is not present in population databases (gnomAD no frequency). This sequence change affects the initiator methionine of the ALDH7A1 mRNA. The next in-frame methionine is located at codon 29.